The following is an entry in ClinVar:

NM_015634.4(KIFBP):c.733C>T (p.His245Tyr)

Gene: KIFBP (kinesin family binding protein; plus strand). Cytogenetic location: 10q22.1.
Variant type: single nucleotide variant.
Coding change: c.733C>T on transcript NM_015634.4 (MANE Select); coding-DNA position 733, C replaced by T.
Protein change: p.His245Tyr; replaces histidine 245 with tyrosine.
Molecular consequence: missense variant.
Genome position (GRCh38, 1-based): chr10:69,005,859, C>T. VCF-style: chr10-69005859-C-T. GRCh37 (hg19) VCF-style: chr10-70765615-C-T.
Other names: c.733C>T (NM_015634.3); short protein forms H245Y.
Identifiers: ClinVar variation 2074969 (VCV002074969.5), dbSNP rs140826893, ClinGen allele CA5529754.
Genomic context (GRCh38, chr10:69,005,859, plus strand): 5'-GAGAAGGCTGCTCACTATTGCCATAGTACACTAAAACGCCAGCTTGAGCACAATGCCTAC[C>T]ATCCTATAGAGTGGGCTATCAATGCTGCTACCTTGTCACAGTTTTACATCAATAAGGTAA-3'
Protein context (NP_056449.1, residues 235-255): LKRQLEHNAY[His245Tyr]PIEWAINAAT

ClinVar aggregate classification (germline): Uncertain significance. Review status: criteria provided, multiple submitters, no conflicts (2 of 4 stars). 3 submissions from 3 submitters: Uncertain significance (3). Last evaluated 2025-06-12.

Allele frequency attached by ClinVar (database versions not stated): gnomAD exomes 0.00002; ExAC 0.00005; gnomAD 0.00027; ESP Exome Variant Server 0.00031; TOPMed 0.00033.
gnomAD v4.1: 72 of 1,613,972 alleles (0.0045%); highest among the groups gnomAD compares: African/African-American, 0.091%; no homozygotes.

Submissions (3):

Labcorp Genetics (formerly Invitae), Labcorp
Classification: Uncertain significance. Last evaluated: 2025-06-12. Review status: criteria provided, single submitter. Criteria: Invitae Variant Classification Sherloc (09022015). Collection method: clinical testing. Allele origin: germline.
Comment: This sequence change replaces histidine, which is basic and polar, with tyrosine, which is neutral and polar, at codon 245 of the KIF1BP protein (p.His245Tyr). This variant is present in population databases (rs140826893, gnomAD 0.07%). This variant has not been reported in the literature in individuals affected with KIF1BP-related conditions. ClinVar contains an entry for this variant (Variation ID: 2074969). An algorithm developed to predict the effect of missense changes on protein structure and function (PolyPhen-2) suggests that this variant is likely to be tolerated. In summary, the available evidence is currently insufficient to determine the role of this variant in disease. Therefore, it has been classified as a Variant of Uncertain Significance.

Ambry Genetics
Classification: Uncertain significance. Last evaluated: 2024-08-26. Review status: criteria provided, single submitter. Criteria: Ambry Variant Classification Scheme 2023. Collection method: clinical testing. Allele origin: germline.

GeneDx
Classification: Uncertain significance. Last evaluated: 2022-10-19. Review status: criteria provided, single submitter. Criteria: GeneDx Variant Classification Process June 2021. Collection method: clinical testing. Allele origin: germline. Affected: yes.
Comment: In silico analysis supports that this missense variant does not alter protein structure/function; Has not been previously published as pathogenic or benign to our knowledge